The following is an entry in ClinVar:

NM_001379500.1(COL18A1):c.3470A>C (p.His1157Pro)

Genes: COL18A1 (collagen type XVIII alpha 1 chain; plus strand), SLC19A1 (solute carrier family 19 member 1; minus strand). Cytogenetic location: 21q22.3.
Variant type: single nucleotide variant.
Coding change: c.3470A>C on transcript NM_001379500.1 (MANE Select); coding-DNA position 3470, A replaced by C.
Protein change: p.His1157Pro; replaces histidine 1157 with proline.
Molecular consequence: missense variant.
Genome position (GRCh38, 1-based): chr21:45,509,576, A>C. VCF-style: chr21-45509576-A-C. GRCh37 (hg19) VCF-style: chr21-46929490-A-C.
Other names: NM_130445.2:c.3461A>C; c.4001A>C, p.His1334Pro (NM_030582.4); c.4706A>C, p.His1569Pro (NM_130444.3); short protein forms H1569P, H1157P, H1334P.
Identifiers: ClinVar variation 1502566 (VCV001502566.4), dbSNP rs1293040942, ClinGen allele CA410501197.

ClinVar aggregate classification (germline): Uncertain significance. Review status: criteria provided, multiple submitters, no conflicts (2 of 4 stars). 2 submissions from 2 submitters: Uncertain significance (2). Last evaluated 2026-03-21.

Allele frequency attached by ClinVar (database versions not stated): gnomAD 0.00001; gnomAD exomes 0.00001 and below 0.00001; TOPMed below 0.00001.
gnomAD v4.1: 3 of 1,524,598 alleles (0.0002%); highest among the groups gnomAD compares: African/African-American, 0.0028%; no homozygotes.

Submissions (2):

GeneDx
Classification: Uncertain significance. Last evaluated: 2026-03-21. Review status: criteria provided, single submitter. Criteria: GeneDx Variant Classification Process June 2021. Collection method: clinical testing. Allele origin: germline.
Comment: Not observed at significant frequency in large population cohorts (gnomAD); In silico analysis supports that this missense variant has a deleterious effect on protein structure/function; Has not been previously published as pathogenic or benign to our knowledge

Labcorp Genetics (formerly Invitae), Labcorp
Classification: Uncertain significance. Last evaluated: 2022-02-28. Review status: criteria provided, single submitter. Criteria: Invitae Variant Classification Sherloc (09022015). Collection method: clinical testing. Allele origin: germline.
Comment: This sequence change replaces histidine, which is basic and polar, with proline, which is neutral and non-polar, at codon 1154 of the COL18A1 protein (p.His1154Pro). This variant is not present in population databases (gnomAD no frequency). This variant has not been reported in the literature in individuals affected with COL18A1-related conditions. Experimental studies and prediction algorithms are not available or were not evaluated, and the functional significance of this variant is currently unknown. In summary, the available evidence is currently insufficient to determine the role of this variant in disease. Therefore, it has been classified as a Variant of Uncertain Significance.